The following is an entry in ClinVar:

ClinVar aggregate classification (germline): Uncertain significance (1 of 4 stars; one submission).

Conditions:
Tumor predisposition syndrome 3 (TPDS3). Also called: Melanoma, cutaneous malignant, susceptibility to, 10; LONG TELOMERE SYNDROME, POT1-RELATED; POT1 Tumor Predisposition; Glioma susceptibility 9. Identifiers: Orphanet 618, MedGen C4014476, MONDO:0014368, OMIM 615848.

Allele frequency attached by ClinVar (database versions not stated): gnomAD exomes below 0.00001.
gnomAD v4.1: 1 of 1,611,644 alleles (0.000062%); highest among the groups gnomAD compares: Non-Finnish European, 0.000085%; no homozygotes.

Submission:

Labcorp Genetics (formerly Invitae), Labcorp
Classification: Uncertain significance for Tumor predisposition syndrome 3. Last evaluated: 2023-02-01. Review status: criteria provided, single submitter. Criteria: Invitae Variant Classification Sherloc (09022015). Collection method: clinical testing. Allele origin: germline.
Comment: This sequence change replaces serine, which is neutral and polar, with asparagine, which is neutral and polar, at codon 461 of the POT1 protein (p.Ser461Asn). This variant is not present in population databases (gnomAD no frequency). This variant has not been reported in the literature in individuals affected with POT1-related conditions. Advanced modeling of protein sequence and biophysical properties (such as structural, functional, and spatial information, amino acid conservation, physicochemical variation, residue mobility, and thermodynamic stability) performed at Invitae indicates that this missense variant is not expected to disrupt POT1 protein function. In summary, the available evidence is currently insufficient to determine the role of this variant in disease. Therefore, it has been classified as a Variant of Uncertain Significance.

NM_015450.3(POT1):c.1382G>A (p.Ser461Asn)

Gene: POT1 (protection of telomeres 1; minus strand). Cytogenetic location: 7q31.33.
Variant type: single nucleotide variant.
Coding change: c.1382G>A on transcript NM_015450.3 (MANE Select); coding-DNA position 1382, G replaced by A.
Protein change: p.Ser461Asn; replaces serine 461 with asparagine.
Molecular consequence: missense variant. On other transcripts: non-coding transcript variant (3).
Genome position (GRCh38, 1-based): chr7:124,835,402, C>T on the plus strand (G>A on the coding strand, the complement: POT1 is on the minus strand). VCF-style: chr7-124835402-C-T. GRCh37 (hg19) VCF-style: chr7-124475456-C-T.
Other names: c.989G>A, p.Ser330Asn (NM_001042594.2); short protein forms S461N, S330N.
Identifiers: ClinVar variation 2833678 (VCV002833678.3), dbSNP rs2485374912, ClinGen allele CA369066039.